The following is an entry in ClinVar:

ClinVar aggregate classification (germline): Uncertain significance. Review status: criteria provided, multiple submitters, no conflicts (2 of 4 stars). 2 submissions from 2 submitters: Uncertain significance (2). Last evaluated 2022-04-18.

Conditions:
Imerslund-Grasbeck syndrome type 1 (IGS1). Also called: Megaloblastic anemia 1, Finnish type; MEGALOBLASTIC ANEMIA, 1; Imerslund-Gräsbeck syndrome 1. Identifiers: MedGen C4016819, MONDO:0100156, OMIM 261100.
Proteinuria, chronic benign. Identifiers: MedGen C5394384, MONDO:0030042, OMIM 618884.
Imerslund-Grasbeck syndrome. Also called: Imerslund-Gräsbeck syndrome; Megaloblastic anemia due to inborn errors of metabolism; ENTEROCYTE COBALAMIN MALABSORPTION; ENTEROCYTE INTRINSIC FACTOR RECEPTOR, DEFECT OF; PERNICIOUS ANEMIA, JUVENILE, DUE TO SELECTIVE INTESTINAL MALABSORPTION OF VITAMIN B12, WITH PROTEINURIA. Identifiers: Orphanet 35858, MedGen C4551825, MONDO:0009853.

Allele frequency attached by ClinVar (database versions not stated): TOPMed 0.00002; gnomAD 0.00001.
gnomAD v4.1: 53 of 1,613,398 alleles (0.0033%); highest among the groups gnomAD compares: South Asian, 0.0066%; no homozygotes.

Submissions (2):

Fulgent Genetics
Classification: Uncertain significance for Imerslund-Grasbeck syndrome type 1; Proteinuria, chronic benign. Last evaluated: 2022-04-18. Review status: criteria provided, single submitter. Criteria: ACMG Guidelines, 2015. Collection method: clinical testing. Allele origin: unknown.

Labcorp Genetics (formerly Invitae), Labcorp
Classification: Uncertain significance for Imerslund-Grasbeck syndrome. Last evaluated: 2020-02-24. Review status: criteria provided, single submitter. Criteria: Invitae Variant Classification Sherloc (09022015). Collection method: clinical testing. Allele origin: germline.
Comment: This sequence change replaces glycine with alanine at codon 1034 of the CUBN protein (p.Gly1034Ala). The glycine residue is highly conserved and there is a small physicochemical difference between glycine and alanine. In summary, the available evidence is currently insufficient to determine the role of this variant in disease. Therefore, it has been classified as a Variant of Uncertain Significance. Algorithms developed to predict the effect of missense changes on protein structure and function are either unavailable or do not agree on the potential impact of this missense change (SIFT: "Tolerated"; PolyPhen-2: "Probably Damaging"; Align-GVGD: "Class C0"). This variant has not been reported in the literature in individuals with CUBN-related conditions. This variant is present in population databases (rs778092585, ExAC 0.006%).

NM_001081.4(CUBN):c.3101G>C (p.Gly1034Ala)

Gene: CUBN (cubilin; minus strand). Cytogenetic location: 10p13.
Variant type: single nucleotide variant.
Coding change: c.3101G>C on transcript NM_001081.4 (MANE Select); coding-DNA position 3101, G replaced by C.
Protein change: p.Gly1034Ala; replaces glycine 1034 with alanine.
Molecular consequence: missense variant.
Genome position (GRCh38, 1-based): chr10:17,065,546, C>G on the plus strand (G>C on the coding strand, the complement: CUBN is on the minus strand). VCF-style: chr10-17065546-C-G. GRCh37 (hg19) VCF-style: chr10-17107545-C-G.
Other names: short protein forms G1034A.
Identifiers: ClinVar variation 860120 (VCV000860120.9), dbSNP rs778092585, ClinGen allele CA5424762.